The following is an entry in ClinVar:

ClinVar aggregate classification (germline): Likely pathogenic (1 of 4 stars; one submission).

Conditions:
Primary ciliary dyskinesia. Also called: Ciliary dyskinesia. Identifiers: Orphanet 244, MedGen C0008780, MONDO:0016575, HP:0012265.

Submission:

Department of Human Genetics, Hannover Medical School
Classification: Likely pathogenic for Primary Ciliary Dyskinesia. Last evaluated: 2026-04-01. Review status: criteria provided, single submitter. Criteria: ACMG Guidelines, 2015. Collection method: research. Allele origin: germline. Affected: no.
Comment: Classification performed by HerediClassify using the following criteria:['PM2_supporting: Variant occures does not occur as homozygous in gnomAD.', 'PVS1_protein_very_strong: Transcript ENST00000613694 is predicted to undergo NMD.']

NM_016123.4(IRAK4):c.539_540del (p.Asn179_Phe180insTer)

Gene: IRAK4 (interleukin 1 receptor associated kinase 4; plus strand). Cytogenetic location: 12q12.
Variant type: Deletion.
Coding change: c.539_540del on transcript NM_016123.4 (MANE Select); coding-DNA positions 539 to 540, 2 bases deleted (TT; older notation c.539_540delTT).
Protein change: p.Asn179_Phe180insTer.
Molecular consequence: nonsense. On other transcripts: frameshift variant (2).
Genome position (GRCh38, 1-based): chr12:43,772,960-43,772,961, TT deleted; deleting any 2 consecutive bases within chr12:43,772,959-43,772,961 gives the same sequence; the c. name uses the placement nearest the transcript's 3' end. VCF-style (leftmost placement, unchanged base first): chr12-43772958-CTT-C. GRCh37 (hg19) VCF-style: chr12-44166761-CTT-C.
Other names: c.539_540del, p.Asn179_Phe180insTer (NM_001114182.3, NM_001351345.2); c.167_168del, p.Asn55_Phe56insTer (NM_001145256.2, NM_001145257.2, NM_001145258.2 and 5 more transcripts); c.16_17del, p.Leu6fs (NM_001351343.2, NM_001351344.2); short protein forms L6fs.
Identifiers: ClinVar variation 4880148 (VCV004880148.1).